The following is an entry in ClinVar:

NM_015466.4(PTPN23):c.3150A>C (p.Ala1050=)

Gene: PTPN23 (protein tyrosine phosphatase non-receptor type 23; plus strand). Cytogenetic location: 3p21.31.
Variant type: single nucleotide variant.
Coding change: c.3150A>C on transcript NM_015466.4 (MANE Select); coding-DNA position 3150, A replaced by C.
Protein change: p.Ala1050=; no amino-acid change (alanine 1050 retained).
Molecular consequence: synonymous variant.
Genome position (GRCh38, 1-based): chr3:47,410,948, A>C. VCF-style: chr3-47410948-A-C. GRCh37 (hg19) VCF-style: chr3-47452438-A-C.
Other names: c.2772A>C, p.Ala924= (NM_001304482.2).
Identifiers: ClinVar variation 3025559 (VCV003025559.22), dbSNP rs2546252715, ClinGen allele CA433605673.

ClinVar aggregate classification (germline): Likely benign (1 of 4 stars; one submission).

Submission:

CeGaT Center for Human Genetics Tuebingen
Classification: Likely benign. Last evaluated: 2024-01-01. Review status: criteria provided, single submitter. Criteria: CeGaT Center For Human Genetics Tuebingen Variant Classification Criteria Version 2. Collection method: clinical testing. Allele origin: germline. Affected: yes. Observed: 1 variant allele.
Comment: PTPN23: BP4, BP7